The following is an entry in ClinVar:

NM_000391.4(TPP1):c.968T>C (p.Val323Ala)

Gene: TPP1 (tripeptidyl peptidase 1; minus strand). Cytogenetic location: 11p15.4.
Variant type: single nucleotide variant.
Coding change: c.968T>C on transcript NM_000391.4 (MANE Select); coding-DNA position 968, T replaced by C.
Protein change: p.Val323Ala; replaces valine 323 with alanine.
Molecular consequence: missense variant.
Genome position (GRCh38, 1-based): chr11:6,616,422, A>G on the plus strand (T>C on the coding strand, the complement: TPP1 is on the minus strand). VCF-style: chr11-6616422-A-G. GRCh37 (hg19) VCF-style: chr11-6637653-A-G.
Other names: short protein forms V323A.
Identifiers: ClinVar variation 1056179 (VCV001056179.3), dbSNP rs770155767, ClinGen allele CA5858798.
Genomic context (GRCh38, chr11:6,616,422, plus strand): 5'-TCAGTGTTGACCCGCTGGATGTAGGCGCTGCTGAGGGAGTCCTCATCATCTCCATAGCTC[A>G]CAGTATGCACATGTGGCAGGGCTGACTCATTACTGAGCAGCATGAGCCACTGCAGGAAGG-3'
Protein context (NP_000382.3, residues 313-333): NESALPHVHT[Val323Ala]SYGDDEDSLS

ClinVar aggregate classification (germline): Uncertain significance. Review status: criteria provided, single submitter (1 of 4 stars). 2 submissions from 2 submitters: Uncertain significance (1). 1 of the submissions does not count toward it. Last evaluated 2022-03-26.

Conditions:
Neuronal ceroid lipofuscinosis 2. Also called: JANSKY-BIELSCHOWSKY DISEASE NEURONAL CEROID LIPOFUSCINOSIS, LATE INFANTILE; TPP1-Related Neuronal Ceroid-Lipofuscinosis. Identifiers: Orphanet 168491, Orphanet 228349, Orphanet 79264, MedGen C1876161, MONDO:0008769, OMIM 204500.

Allele frequency attached by ClinVar (database versions not stated): gnomAD exomes below 0.00001 and 0.00001; ExAC 0.00001; gnomAD 0.00001; TOPMed 0.00001.
gnomAD v4.1: 8 of 1,613,480 alleles (0.0005%); highest among the groups gnomAD compares: Non-Finnish European, 0.00068%; no homozygotes.

Submissions (2):

Labcorp Genetics (formerly Invitae), Labcorp
Classification: Uncertain significance. Last evaluated: 2022-03-26. Review status: criteria provided, single submitter. Criteria: Invitae Variant Classification Sherloc (09022015). Collection method: clinical testing. Allele origin: germline.
Comment: This sequence change replaces valine, which is neutral and non-polar, with alanine, which is neutral and non-polar, at codon 323 of the TPP1 protein (p.Val323Ala). This variant is present in population databases (rs770155767, gnomAD 0.0009%). This variant has not been reported in the literature in individuals affected with TPP1-related conditions. ClinVar contains an entry for this variant (Variation ID: 1056179). Advanced modeling of protein sequence and biophysical properties (such as structural, functional, and spatial information, amino acid conservation, physicochemical variation, residue mobility, and thermodynamic stability) performed at Invitae indicates that this missense variant is not expected to disrupt TPP1 protein function. In summary, the available evidence is currently insufficient to determine the role of this variant in disease. Therefore, it has been classified as a Variant of Uncertain Significance.

Natera, Inc.
Classification: Uncertain significance for Neuronal ceroid lipofuscinosis 2. Last evaluated: 2020-02-13. Review status: no assertion criteria provided. Collection method: clinical testing. Allele origin: germline. Not counted in ClinVar's aggregate classification.